The following is an entry in ClinVar:

ClinVar aggregate classification (germline): Uncertain significance. Review status: criteria provided, multiple submitters, no conflicts (2 of 4 stars). 2 submissions from 2 submitters: Uncertain significance (2). Last evaluated 2025-07-27.

Conditions:
Cerebral palsy, spastic quadriplegic, 2 (CPSQ2). Identifiers: Orphanet 210141, MedGen C2752061, MONDO:0013033, OMIM 612900.

Allele frequency attached by ClinVar (database versions not stated): 1000 Genomes Project 30x 0.00016; 1000 Genomes Project 0.00020; gnomAD 0.00036 and 0.00041; ESP Exome Variant Server 0.00062.
gnomAD v4.1: 92 of 1,614,140 alleles (0.0057%); highest among the groups gnomAD compares: African/African-American, 0.11%; 1 homozygote.

Submissions (2):

Labcorp Genetics (formerly Invitae), Labcorp
Classification: Uncertain significance. Last evaluated: 2025-07-27. Review status: criteria provided, single submitter. Criteria: Invitae Variant Classification Sherloc (09022015). Collection method: clinical testing. Allele origin: germline.
Comment: This sequence change replaces alanine, which is neutral and non-polar, with glycine, which is neutral and non-polar, at codon 228 of the KANK1 protein (p.Ala228Gly). This variant is present in population databases (rs138522309, gnomAD 0.1%), and has an allele count higher than expected for a pathogenic variant. This variant has not been reported in the literature in individuals affected with KANK1-related conditions. ClinVar contains an entry for this variant (Variation ID: 1445978). An algorithm developed to predict the effect of missense changes on protein structure and function (PolyPhen-2) suggests that this variant is likely to be tolerated. In summary, the available evidence is currently insufficient to determine the role of this variant in disease. Therefore, it has been classified as a Variant of Uncertain Significance.

Fulgent Genetics
Classification: Uncertain significance for Cerebral palsy, spastic quadriplegic, 2. Last evaluated: 2022-05-06. Review status: criteria provided, single submitter. Criteria: ACMG Guidelines, 2015. Collection method: clinical testing. Allele origin: unknown.

NM_015158.5(KANK1):c.683C>G (p.Ala228Gly)

Gene: KANK1 (KN motif and ankyrin repeat domains 1; plus strand). Cytogenetic location: 9p24.3.
Variant type: single nucleotide variant.
Coding change: c.683C>G on transcript NM_015158.5 (MANE Select); coding-DNA position 683, C replaced by G.
Protein change: p.Ala228Gly; replaces alanine 228 with glycine.
Molecular consequence: missense variant. On other transcripts: non-coding transcript variant (1).
Genome position (GRCh38, 1-based): chr9:711,449, C>G. VCF-style: chr9-711449-C-G. GRCh37 (hg19) VCF-style: chr9-711449-C-G.
Other names: c.683C>G, p.Ala228Gly (NM_001256876.3, NM_001256877.3, NM_001354331.2 and 2 more transcripts); c.209C>G, p.Ala70Gly (NM_001354333.2, NM_001354335.2, NM_001354336.2 and 9 more transcripts); short protein forms A70G, A228G.
Identifiers: ClinVar variation 1445978 (VCV001445978.9), dbSNP rs138522309, ClinGen allele CA4960014.